The following is an entry in ClinVar:

NM_001355436.2(SPTB):c.2480G>A (p.Arg827Gln)

Gene: SPTB (spectrin beta, erythrocytic; minus strand). Cytogenetic location: 14q23.3.
Variant type: single nucleotide variant.
Coding change: c.2480G>A on transcript NM_001355436.2 (MANE Select); coding-DNA position 2480, G replaced by A.
Protein change: p.Arg827Gln; replaces arginine 827 with glutamine.
Molecular consequence: missense variant.
Genome position (GRCh38, 1-based): chr14:64,793,183, C>T on the plus strand (G>A on the coding strand, the complement: SPTB is on the minus strand). VCF-style: chr14-64793183-C-T. GRCh37 (hg19) VCF-style: chr14-65259901-C-T.
Other names: c.2480G>A, p.Arg827Gln (NM_001024858.4, NM_001355437.2); c.2480G>A (NM_001024858.2); short protein forms R827Q.
Identifiers: ClinVar variation 1163551 (VCV001163551.13), dbSNP rs150013838, ClinGen allele CA7230858.

ClinVar aggregate classification (germline): Conflicting classifications of pathogenicity. Review status: criteria provided, conflicting classifications (1 of 4 stars). 4 submissions from 4 submitters: Uncertain significance (2); Benign (1). 1 of the submissions does not count toward it. Last evaluated 2025-02-26.

Conditions:
SPTB-related disorder. Also called: SPTB-Related Disorders; SPTB-related condition.

Allele frequency attached by ClinVar (database versions not stated): gnomAD 0.00028 and 0.00034; ESP Exome Variant Server 0.00031; TOPMed 0.00031; gnomAD exomes 0.00040 and 0.00053; ExAC 0.00047; 1000 Genomes Project 0.00060; 1000 Genomes Project 30x 0.00062.
gnomAD v4.1: 652 of 1,613,598 alleles (0.04%); highest among the groups gnomAD compares: Middle Eastern, 0.2%; 4 homozygotes.

Submissions (4):

Mayo Clinic Laboratories, Mayo Clinic
Classification: Uncertain significance. Last evaluated: 2025-02-26. Review status: criteria provided, single submitter. Criteria: ACMG Guidelines, 2015. Collection method: clinical testing. Allele origin: germline. Observed: 5 variant alleles.
Comment: BP4_moderate

Labcorp Genetics (formerly Invitae), Labcorp
Classification: Benign. Last evaluated: 2025-01-08. Review status: criteria provided, single submitter. Criteria: Invitae Variant Classification Sherloc (09022015). Collection method: clinical testing. Allele origin: germline.

Breakthrough Genomics
Classification: Uncertain significance. Review status: criteria provided, single submitter. Criteria: ACMG Guidelines, 2015. Collection method: not provided. Allele origin: germline. Inheritance: Autosomal dominant inheritance. Affected: yes.

PreventionGenetics, part of Exact Sciences
Classification: Likely benign for SPTB-related condition. Last evaluated: 2021-12-21. Review status: no assertion criteria provided. Collection method: clinical testing. Allele origin: germline. Not counted in ClinVar's aggregate classification.
Comment: This variant is classified as likely benign based on ACMG/AMP sequence variant interpretation guidelines (Richards et al. 2015 PMID: 25741868, with internal and published modifications).